The following is an entry in ClinVar:

NM_182961.4(SYNE1):c.12713G>C (p.Arg4238Thr)

Gene: SYNE1 (spectrin repeat containing nuclear envelope protein 1; minus strand). Cytogenetic location: 6q25.2.
Variant type: single nucleotide variant.
Coding change: c.12713G>C on transcript NM_182961.4 (MANE Select); coding-DNA position 12713, G replaced by C.
Protein change: p.Arg4238Thr; replaces arginine 4238 with threonine.
Molecular consequence: missense variant.
Genome position (GRCh38, 1-based): chr6:152,334,089, C>G on the plus strand (G>C on the coding strand, the complement: SYNE1 is on the minus strand). VCF-style: chr6-152334089-C-G. GRCh37 (hg19) VCF-style: chr6-152655224-C-G.
Other names: c.12500G>C, p.Arg4167Thr (NM_033071.5); short protein forms R4167T, R4238T.
Identifiers: ClinVar variation 500007 (VCV000500007.10), dbSNP rs537532640, ClinGen allele CA4056333.

ClinVar aggregate classification (germline): Uncertain significance. Review status: criteria provided, multiple submitters, no conflicts (2 of 4 stars). 2 submissions from 2 submitters: Uncertain significance (2). Last evaluated 2024-10-18.

Conditions:
Emery-Dreifuss muscular dystrophy 4, autosomal dominant (EDMD4). Also called: EMERY-DREIFUSS MUSCULAR DYSTROPHY 4 WITH VARIABLE FEATURES. Identifiers: Orphanet 261, MedGen C2751807, MONDO:0013071, OMIM 612998.
Autosomal recessive ataxia, Beauce type. Also called: SYNE1 Deficiency; Spinocerebellar ataxia, autosomal recessive 8; ATAXIA, RECESSIVE, OF BEAUCE; SYNE1-Related Autosomal Recessive Cerebellar Ataxia. Identifiers: Orphanet 88644, MedGen C1853116, MONDO:0012549, OMIM 610743.

Allele frequency attached by ClinVar (database versions not stated): gnomAD exomes below 0.00001 and 0.00001; gnomAD 0.00001; ExAC 0.00002; TOPMed 0.00002; 1000 Genomes Project 30x 0.00016; 1000 Genomes Project 0.00020.
gnomAD v4.1: 4 of 1,614,158 alleles (0.00025%); highest among the groups gnomAD compares: African/African-American, 0.0053%; no homozygotes.

Submissions (2):

Labcorp Genetics (formerly Invitae), Labcorp
Classification: Uncertain significance for Emery-Dreifuss muscular dystrophy 4, autosomal dominant; Autosomal recessive ataxia, Beauce type. Last evaluated: 2024-10-18. Review status: criteria provided, single submitter. Criteria: Invitae Variant Classification Sherloc (09022015). Collection method: clinical testing. Allele origin: germline.
Comment: This sequence change replaces arginine, which is basic and polar, with threonine, which is neutral and polar, at codon 4167 of the SYNE1 protein (p.Arg4167Thr). This variant is present in population databases (rs537532640, gnomAD 0.01%). This variant has not been reported in the literature in individuals affected with SYNE1-related conditions. ClinVar contains an entry for this variant (Variation ID: 500007). An algorithm developed to predict the effect of missense changes on protein structure and function (PolyPhen-2) suggests that this variant is likely to be disruptive. In summary, the available evidence is currently insufficient to determine the role of this variant in disease. Therefore, it has been classified as a Variant of Uncertain Significance.

Eurofins Ntd Llc (ga)
Classification: Uncertain significance. Last evaluated: 2017-01-19. Review status: criteria provided, single submitter. Criteria: EGL Classification Definitions 2015. Collection method: clinical testing. Allele origin: germline. Observed: 1 variant allele, 1 heterozygote.